The following is an entry in ClinVar:

NM_022114.4(PRDM16):c.677-111G>A

Gene: PRDM16 (PR/SET domain 16; plus strand). Cytogenetic location: 1p36.32.
Variant type: single nucleotide variant.
Coding change: c.677-111G>A on transcript NM_022114.4 (MANE Select); 111 bases into the intron before coding-DNA position 677, G replaced by A.
Molecular consequence: intron variant.
Genome position (GRCh38, 1-based): chr1:3,402,680, G>A. VCF-style: chr1-3402680-G-A. GRCh37 (hg19) VCF-style: chr1-3319244-G-A.
Other names: c.677-111G>A (NM_199454.3).
Identifiers: ClinVar variation 674888 (VCV000674888.2), dbSNP rs78946683, ClinGen allele CA10656201.

ClinVar aggregate classification (germline): Benign. Review status: criteria provided, multiple submitters, no conflicts (2 of 4 stars). 2 submissions from 2 submitters: Benign (2). Last evaluated 2018-06-16.

Allele frequency attached by ClinVar (database versions not stated): 1000 Genomes Project 0.06729; 1000 Genomes Project 30x 0.06980; TOPMed 0.10015; gnomAD 0.10716 and 0.10941; gnomAD exomes 0.11876.
gnomAD v4.1: 103,106 of 888,450 alleles (12%); highest among the groups gnomAD compares: Non-Finnish European, 14%; 6,738 homozygotes.

Submissions (2):

GeneDx
Classification: Benign. Last evaluated: 2018-06-16. Review status: criteria provided, single submitter. Criteria: GeneDx Variant Classification (06012015). Collection method: clinical testing. Allele origin: germline. Affected: yes.
Comment: This variant is considered likely benign or benign based on one or more of the following criteria: it is a conservative change, it occurs at a poorly conserved position in the protein, it is predicted to be benign by multiple in silico algorithms, and/or has population frequency not consistent with disease.

Breakthrough Genomics
Classification: Benign. Review status: criteria provided, single submitter. Criteria: ACMG Guidelines, 2015. Collection method: not provided. Allele origin: germline. Inheritance: Autosomal dominant inheritance. Affected: yes.